The following is an entry in ClinVar:

NM_144973.4(DENND5B):c.2650A>G (p.Lys884Glu)

Gene: DENND5B (DENN domain containing 5B; minus strand). Cytogenetic location: 12p11.21.
Variant type: single nucleotide variant.
Coding change: c.2650A>G on transcript NM_144973.4 (MANE Select); coding-DNA position 2650, A replaced by G.
Protein change: p.Lys884Glu; replaces lysine 884 with glutamic acid.
Molecular consequence: missense variant.
Genome position (GRCh38, 1-based): chr12:31,413,467, T>C on the plus strand (A>G on the coding strand, the complement: DENND5B is on the minus strand). VCF-style: chr12-31413467-T-C. GRCh37 (hg19) VCF-style: chr12-31566401-T-C.
Other names: c.2755A>G, p.Lys919Glu (NM_001308339.2); short protein forms K884E, K919E.
Identifiers: ClinVar variation 3342491 (VCV003342491.1).

ClinVar aggregate classification (germline): Uncertain significance (1 of 4 stars; one submission).

gnomAD v4.1: 1 of 1,613,884 alleles (0.000062%); highest among the groups gnomAD compares: Non-Finnish European, 0.000085%; no homozygotes.

Submission:

GeneDx
Classification: Uncertain significance. Last evaluated: 2024-02-28. Review status: criteria provided, single submitter. Criteria: GeneDx Variant Classification Process June 2021. Collection method: clinical testing. Allele origin: germline. Affected: yes.
Comment: Not observed at significant frequency in large population cohorts (gnomAD); In silico analysis supports that this missense variant has a deleterious effect on protein structure/function; Has not been previously published as pathogenic or benign to our knowledge